The following is an entry in ClinVar:

NM_153252.5(BRWD3):c.4969C>A (p.Gln1657Lys)

Gene: BRWD3 (bromodomain and WD repeat domain containing 3; minus strand). Cytogenetic location: Xq21.1.
Variant type: single nucleotide variant.
Coding change: c.4969C>A on transcript NM_153252.5 (MANE Select); coding-DNA position 4969, C replaced by A.
Protein change: p.Gln1657Lys; replaces glutamine 1657 with lysine.
Molecular consequence: missense variant.
Genome position (GRCh38, 1-based): chrX:80,677,049, G>T on the plus strand (C>A on the coding strand, the complement: BRWD3 is on the minus strand). VCF-style: chrX-80677049-G-T. GRCh37 (hg19) VCF-style: chrX-79932548-G-T.
Other names: short protein forms Q1657K.
Identifiers: ClinVar variation 3825774 (VCV003825774.2).

ClinVar aggregate classification (germline): Uncertain significance. Review status: criteria provided, multiple submitters, no conflicts (2 of 4 stars). 2 submissions from 2 submitters: Uncertain significance (2). Last evaluated 2025-02-13.

Conditions:
Inborn genetic diseases. Identifiers: MedGen C0950123, MeSH D030342.

gnomAD v4.1: 7 of 1,210,934 alleles (0.00058%); highest among the groups gnomAD compares: Non-Finnish European, 0.00078%; no homozygotes.

Submissions (2):

Ambry Genetics
Classification: Uncertain significance for Inborn genetic diseases. Last evaluated: 2025-02-13. Review status: criteria provided, single submitter. Criteria: Ambry Variant Classification Scheme 2023. Collection method: clinical testing. Allele origin: germline.

GeneDx
Classification: Uncertain significance. Last evaluated: 2025-01-09. Review status: criteria provided, single submitter. Criteria: GeneDx Variant Classification Process June 2021. Collection method: clinical testing. Allele origin: germline. Affected: yes.
Comment: Not observed at significant frequency in large population cohorts (gnomAD); In silico analysis indicates that this missense variant does not alter protein structure/function; Has not been previously published as pathogenic or benign to our knowledge